The following is an entry in ClinVar:

ClinVar aggregate classification (germline): Pathogenic. Review status: reviewed by expert panel (3 of 4 stars). 3 submissions from 3 submitters: Pathogenic (1). 2 of the submissions do not count toward it. Last evaluated 2016-10-18.

Conditions:
Breast-ovarian cancer, familial, susceptibility to, 2 (BROVCA2). Also called: BRCA2 Hereditary Breast and Ovarian Cancer. Identifiers: Orphanet 145, MedGen C2675520, MONDO:0012933, OMIM 612555. Disease mechanism: loss of function.
Hereditary breast ovarian cancer syndrome. Also called: BRCA1- and BRCA2-Associated Hereditary Breast and Ovarian Cancer; Hereditary breast and ovarian cancer; Breast and ovarian cancer; Hereditary breast and/or ovarian cancer syndrome; Hereditary breast and ovarian cancer syndrome; Hereditary breast and ovarian cancer syndrome (HBOC). Identifiers: Orphanet 145, MedGen C0677776, MeSH D061325, MONDO:0003582. Disease mechanism: loss of function.

Submissions (3):

Evidence-based Network for the Interpretation of Germline Mutant Alleles (ENIGMA)
Classification: Pathogenic for Breast-ovarian cancer, familial, susceptibility to, 2. Last evaluated: 2016-10-18. Review status: reviewed by expert panel. Criteria: ENIGMA BRCA1/2 Classification Criteria (2015). Collection method: curation. Allele origin: germline.
Comment: Variant allele predicted to encode a truncated non-functional protein.

Women's Health and Genetics/Laboratory Corporation of America, LabCorp
Classification: Likely pathogenic for Hereditary breast and ovarian cancer syndrome. Last evaluated: 2018-01-19. Review status: criteria provided, single submitter. Criteria: LabCorp Variant Classification Summary - May 2015. Collection method: clinical testing. Allele origin: germline. Not counted in ClinVar's aggregate classification.
Comment: Variant summary: The BRCA2 c.6976delT (p.Ser2326LeufsX2) variant results in a premature termination codon, predicted to cause a truncated or absent BRCA2 protein due to nonsense mediated decay, which are commonly known mechanisms for disease. Truncations downstream of this position have been classified as pathogenic by our laboratory (e.g. c.6997_6998delGT (p.Val2333fsX6), c.7025_7026delAA (p.Gln2342fsX17), and c.7069_7070delCT (p.Leu2357fsX2)). This variant is absent in 245224 control chromosomes (gnomAD). In addition, multiple clinical diagnostic laboratories/reputable databases classified this variant as pathogenic. The variant of interest has not, to our knowledge, been reported in affected individuals via publications; nor evaluated for functional impact by in vivo/vitro studies. Taken together, this variant is classified as likely pathogenic.

Consortium of Investigators of Modifiers of BRCA1/2 (CIMBA), c/o University of Cambridge
Classification: Pathogenic for Breast-ovarian cancer, familial, susceptibility to, 2. Last evaluated: 2015-10-02. Review status: criteria provided, single submitter. Criteria: CIMBA Mutation Classification guidelines May 2016. Collection method: clinical testing. Allele origin: germline. Not counted in ClinVar's aggregate classification.

NM_000059.4(BRCA2):c.6976del (p.Ser2326fs)

Gene: BRCA2 (BRCA2 DNA repair associated; plus strand). Cytogenetic location: 13q13.1.
Variant type: Deletion.
Coding change: c.6976del on transcript NM_000059.4 (MANE Select); coding-DNA position 6976, one base deleted (T; older notation c.6976delT).
Protein change: p.Ser2326fs; shifts the reading frame from serine 2326.
Molecular consequence: frameshift variant.
Genome position (GRCh38, 1-based): chr13:32,346,865, T deleted; the last of 3 consecutive T bases (chr13:32,346,863-32,346,865); deleting any one gives the same sequence. VCF-style (leftmost placement, unchanged base first): chr13-32346862-GT-G. GRCh37 (hg19) VCF-style: chr13-32920999-GT-G.
Other names: 7204delT; c.6976delT (NM_000059.3).
Identifiers: ClinVar variation 266977 (VCV000266977.6), dbSNP rs886040679, ClinGen allele CA10589404.